The following is an entry in ClinVar:

ClinVar aggregate classification (germline): Likely pathogenic (1 of 4 stars; one submission).

Conditions:
Hereditary factor IX deficiency disease (HEMB). Also called: F9 DEFICIENCY; FACTOR IX DEFICIENCY; PLASMA THROMBOPLASTIN COMPONENT DEFICIENCY; Hemophilia B; Christmas Disease. Identifiers: Orphanet 98879, MedGen C0008533, MeSH D002836, MONDO:0010604, OMIM 306900.

gnomAD v4.1: 4 of 1,210,564 alleles (0.00033%); highest among the groups gnomAD compares: Non-Finnish European, 0.00045%; no homozygotes.

Submission:

North West Genomic Laboratory Hub, Manchester University NHS Foundation Trust
Classification: Likely pathogenic for Factor IX deficiency. Last evaluated: 2024-05-17. Review status: criteria provided, single submitter. Criteria: ACGS Best Practice Guidelines for Variant Classification in Rare Disease 2020. Collection method: clinical testing. Allele origin: germline. Affected: yes.
Comment: PS4_Supp PP4_Mod PP3_Supp PM2_Mod

NM_000133.4(F9):c.178C>T (p.Leu60Phe)

Gene: F9 (coagulation factor IX; plus strand). Cytogenetic location: Xq27.1.
Variant type: single nucleotide variant.
Coding change: c.178C>T on transcript NM_000133.4 (MANE Select); coding-DNA position 178, C replaced by T.
Protein change: p.Leu60Phe; replaces leucine 60 with phenylalanine.
Molecular consequence: missense variant.
Genome position (GRCh38, 1-based): chrX:139,537,099, C>T. VCF-style: chrX-139537099-C-T. GRCh37 (hg19) VCF-style: chrX-138619258-C-T.
Other names: c.178C>T, p.Leu60Phe (NM_001313913.2); short protein forms L60F.
Identifiers: ClinVar variation 4886880 (VCV004886880.1).
Genomic context (GRCh38, chrX:139,537,099, plus strand): 5'-ATTCTGAATCGGCCAAAGAGGTATAATTCAGGTAAATTGGAAGAGTTTGTTCAAGGGAAC[C>T]TTGAGAGAGAATGTATGGAAGAAAAGTGTAGTTTTGAAGAAGCACGAGAAGTTTTTGAAA-3'
Protein context (NP_000124.1, residues 50-70): GKLEEFVQGN[Leu60Phe]ERECMEEKCS